The following is an entry in ClinVar:

NM_001042492.3(NF1):c.5830del (p.Leu1944fs)

Gene: NF1 (neurofibromin 1; plus strand). Cytogenetic location: 17q11.2.
Variant type: Deletion.
Coding change: c.5830del on transcript NM_001042492.3 (MANE Select); coding-DNA position 5830, one base deleted (C; older notation c.5830delC).
Protein change: p.Leu1944fs; shifts the reading frame from leucine 1944.
Molecular consequence: frameshift variant.
Genome position (GRCh38, 1-based): chr17:31,334,855, C deleted; the last of 2 consecutive C bases (chr17:31,334,854-31,334,855); deleting either gives the same sequence. VCF-style (leftmost placement, unchanged base first): chr17-31334853-AC-A. GRCh37 (hg19) VCF-style: chr17-29661871-AC-A.
Other names: c.5767delC, p.Leu1923Phefs (NM_000267.4); c.5767delC (NM_000267.3); short protein forms L1944fs, L1923fs.
Identifiers: ClinVar variation 492886 (VCV000492886.4), dbSNP rs1555534378, ClinGen allele CA658684017.
Genomic context (GRCh38, chr17:31,334,853, plus strand): 5'-TGATTTTCATTGACCATCACATGCTAATAGTGTATTTTTTTCCAGGTATTGAATTGAAAC[AC>A]CTTTGTTTGGAATACATGACTCCATGGCTGTCAAATCTAGTTCGTTTTTGCAAGCATAAT-3'

ClinVar aggregate classification (germline): Pathogenic. Review status: criteria provided, multiple submitters, no conflicts (2 of 4 stars). 3 submissions from 3 submitters: Pathogenic (2). 1 of the submissions does not count toward it. Last evaluated 2018-12-14.

Conditions:
Neurofibromatosis, type 1 (NF1). Also called: Peripheral type neurofibromatosis; VON RECKLINGHAUSEN DISEASE; Neurofibromatosis, type I; NEUROFIBROMATOSIS, TYPE I, SOMATIC. Identifiers: Orphanet 636, MedGen C0027831, MONDO:0018975, OMIM 162200. Disease mechanism: loss of function.

Submissions (3):

GeneDx
Classification: Pathogenic. Last evaluated: 2018-12-14. Review status: criteria provided, single submitter. Criteria: GeneDx Variant Classification (06012015). Collection method: clinical testing. Allele origin: germline. Affected: yes.
Comment: The c.5767delC pathogenic variant in the NF1 gene has been reported previously in association with neurofibromatosis type 1(Kim et al., 2014). The deletion causes a frameshift starting with codon Leucine 1923, changes this amino acid to a Phenylalanine residue and creates a premature Stop codon at position 6 of the new reading frame, denoted p.Leu1923PhefsX6. The c.5767delC variant has not been observed in large population cohorts (Lek et al., 2016). This pathogenic variant is predicted to cause loss of normal protein function either through protein truncation or nonsense-mediated mRNA decay.

Juno Genomics, Hangzhou Juno Genomics, Inc
Classification: Pathogenic for Neurofibromatosis, type 1. Review status: criteria provided, single submitter. Criteria: ACMG Guidelines, 2015. Collection method: clinical testing. Allele origin: germline. Affected: yes.
Comment: Absent from controls (or at extremely low frequency if recessive) in Genome Aggregation Database, Exome Sequencing Project, 1000 Genomes Project, or Exome Aggregation Consortium.;Null variant in a gene where loss of function (LOF) is a known mechanism of disease.;The prevalence of the variant in affected individuals is significantly increased compared to the prevalence in controls.;Patient's phenotype or family history is highly specific for a disease with a single genetic etiology.

Clinical Molecular Genetics Laboratory, Johns Hopkins All Children's Hospital
Classification: Pathogenic for Neurofibromatosis, type 1. Last evaluated: 2014-11-05. Review status: no assertion criteria provided. Collection method: clinical testing. Allele origin: germline. Affected: yes. Not counted in ClinVar's aggregate classification.